The following is an entry in ClinVar:

NM_000095.3(COMP):c.762+5G>C

Gene: COMP (cartilage oligomeric matrix protein; minus strand). Cytogenetic location: 19p13.11.
Variant type: single nucleotide variant.
Coding change: c.762+5G>C on transcript NM_000095.3 (MANE Select); 5 bases into the intron after coding-DNA position 762, G replaced by C.
Molecular consequence: intron variant.
Genome position (GRCh38, 1-based): chr19:18,788,587, C>G on the plus strand (G>C on the coding strand, the complement: COMP is on the minus strand). VCF-style: chr19-18788587-C-G. GRCh37 (hg19) VCF-style: chr19-18899396-C-G.
Identifiers: ClinVar variation 1366440 (VCV001366440.6), dbSNP rs1385859906, ClinGen allele CA2573156206.
Genomic context (GRCh38, chr19:18,788,587, plus strand): 5'-GTAAGTGGGTGCCCTGGAGTGGCCGCCACCCAACCCCGCCTCAAGCCCAGCCCGCCCGCA[C>G]TCACCACGCACGACCGCGAGCCATCGCGCTCTAGGACGCAGTCTGCATGCTCGTGGCACT-3'

ClinVar aggregate classification (germline): Uncertain significance (1 of 4 stars; one submission).

Submission:

Labcorp Genetics (formerly Invitae), Labcorp
Classification: Uncertain significance. Last evaluated: 2024-06-17. Review status: criteria provided, single submitter. Criteria: Invitae Variant Classification Sherloc (09022015). Collection method: clinical testing. Allele origin: germline.
Comment: This sequence change falls in intron 7 of the COMP gene. It does not directly change the encoded amino acid sequence of the COMP protein. It affects a nucleotide within the consensus splice site. This variant is not present in population databases (gnomAD no frequency). This variant has not been reported in the literature in individuals affected with COMP-related conditions. ClinVar contains an entry for this variant (Variation ID: 1366440). Variants that disrupt the consensus splice site are a relatively common cause of aberrant splicing (PMID: 17576681, 9536098). Algorithms developed to predict the effect of sequence changes on RNA splicing suggest that this variant may disrupt the consensus splice site. In summary, the available evidence is currently insufficient to determine the role of this variant in disease. Therefore, it has been classified as a Variant of Uncertain Significance.

Literature cited by the submitters: PubMed 17576681; PubMed 9536098.